The following is an entry in ClinVar:

NM_000245.4(MET):c.2102+6G>A

Gene: MET (MET proto-oncogene, receptor tyrosine kinase; plus strand). Cytogenetic location: 7q31.2.
Variant type: single nucleotide variant.
Coding change: c.2102+6G>A on transcript NM_000245.4 (MANE Select); 6 bases into the intron after coding-DNA position 2102, G replaced by A.
Molecular consequence: intron variant.
Genome position (GRCh38, 1-based): chr7:116,757,780, G>A. VCF-style: chr7-116757780-G-A. GRCh37 (hg19) VCF-style: chr7-116397834-G-A.
Other names: c.2102+6G>A (NM_001127500.3, NM_001324401.3); c.812+6G>A (NM_001324402.2).
Identifiers: ClinVar variation 970387 (VCV000970387.10), dbSNP rs757561412, ClinGen allele CA4448374.
Genomic context (GRCh38, chr7:116,757,780, plus strand): 5'-ACAGTGGGAATTCTAGACACATTTCAATTGGTGGAAAAACATGTACTTTAAAAAGGTGTT[G>A]TAAATTTATTTTTTGTTGCATCTGTCAATTTGAATTAATATCTGTACCTTAAAAATTAAG-3'

ClinVar aggregate classification (germline): Uncertain significance (1 of 4 stars; one submission).

Conditions:
Renal cell carcinoma. Identifiers: Orphanet 217071, MedGen C0007134, MeSH D002292, MONDO:0005086, HP:0005584.

Allele frequency attached by ClinVar (database versions not stated): ExAC 0.00001; gnomAD exomes 0.00001.
gnomAD v4.1: 10 of 1,613,450 alleles (0.00062%); highest among the groups gnomAD compares: South Asian, 0.0099%; no homozygotes.

Submission:

Labcorp Genetics (formerly Invitae), Labcorp
Classification: Uncertain significance for Renal cell carcinoma. Last evaluated: 2025-07-15. Review status: criteria provided, single submitter. Criteria: Invitae Variant Classification Sherloc (09022015). Collection method: clinical testing. Allele origin: germline.
Comment: This sequence change falls in intron 8 of the MET gene. It does not directly change the encoded amino acid sequence of the MET protein. It affects a nucleotide within the consensus splice site. This variant is present in population databases (rs757561412, gnomAD 0.01%). This variant has not been reported in the literature in individuals affected with MET-related conditions. ClinVar contains an entry for this variant (Variation ID: 970387). Variants that disrupt the consensus splice site are a relatively common cause of aberrant splicing (PMID: 17576681, 9536098). Algorithms developed to predict the effect of sequence changes on RNA splicing suggest that this variant is not likely to affect RNA splicing. In summary, the available evidence is currently insufficient to determine the role of this variant in disease. Therefore, it has been classified as a Variant of Uncertain Significance.

Literature cited by the submitters: PubMed 17576681; PubMed 9536098.